The following is an entry in ClinVar:

NM_001267550.2(TTN):c.66215_66219del (p.Met22072fs)

Genes: TTN (titin; minus strand), TTN-AS1 (TTN antisense RNA 1; plus strand). Cytogenetic location: 2q31.2.
Variant type: Deletion.
Coding change: c.66215_66219del on transcript NM_001267550.2 (MANE Select); coding-DNA positions 66215 to 66219, 5 bases deleted (TGACA; older notation c.66215_66219delTGACA).
Protein change: p.Met22072fs; shifts the reading frame from methionine 22072.
Molecular consequence: frameshift variant.
Genome position (GRCh38, 1-based): chr2:178,582,150-178,582,154, TGTCA deleted on the plus strand (TGACA on the coding strand, the reverse complement: TTN is on the minus strand); deleting any 5 consecutive bases within chr2:178,582,150-178,582,157 gives the same sequence; the c. name uses the placement nearest the transcript's 3' end. VCF-style (leftmost placement, unchanged base first): chr2-178582149-CTGTCA-C. GRCh37 (hg19) VCF-style: chr2-179446876-CTGTCA-C.
Other names: c.61292_61296del, p.Met20431fs (NM_001256850.1); c.39020_39024del, p.Met13007fs (NM_003319.4); c.58511_58515del, p.Met19504fs (NM_133378.4); c.39395_39399del, p.Met13132fs (NM_133432.3); c.39596_39600del, p.Met13199fs (NM_133437.4); short protein forms M13199fs, M20431fs, M19504fs, M13007fs, M13132fs, M22072fs.
Identifiers: ClinVar variation 4791939 (VCV004791939.3).
Genomic context (GRCh38, chr2:178,582,149, plus strand): 5'-TTTCAAGCAAATAGCCAGTGATGGGTGAGCCCCCATCATCTGCTGGTGGCTTCCAGCTGA[CTGTCA>C]TGTGATCTTTGGTTATGTTGCTAATAACAGGAGGATCACAGCGTCCTGGTGGGTCTGCAG-3'

ClinVar aggregate classification (germline): Likely pathogenic. Review status: criteria provided, multiple submitters, no conflicts (2 of 4 stars). 2 submissions from 2 submitters: Likely pathogenic (2). Last evaluated 2026-06-01.

Conditions:
Autosomal recessive limb-girdle muscular dystrophy type 2J (LGMDR10). Also called: Limb-girdle muscular dystrophy, type 2J; MUSCULAR DYSTROPHY, LIMB-GIRDLE, AUTOSOMAL RECESSIVE 10. Identifiers: Orphanet 140922, MedGen C1837342, MONDO:0012127, OMIM 608807.
Dilated cardiomyopathy 1G (CMD1G). Identifiers: Orphanet 154, MedGen C1858763, MONDO:0011400, OMIM 604145.

Submissions (2):

CeGaT Center for Human Genetics Tuebingen
Classification: Likely pathogenic. Last evaluated: 2026-06-01. Review status: criteria provided, single submitter. Criteria: CeGaT Center For Human Genetics Tuebingen Variant Classification Criteria Version 2. Collection method: clinical testing. Allele origin: germline. Affected: yes. Observed: 1 variant allele.
Comment: TTN: PVS1:Strong, PM2, PS4:Supporting

Labcorp Genetics (formerly Invitae), Labcorp
Classification: Likely pathogenic for Dilated cardiomyopathy 1G; Autosomal recessive limb-girdle muscular dystrophy type 2J. Last evaluated: 2025-12-09. Review status: criteria provided, single submitter. Criteria: Invitae Variant Classification Sherloc (09022015). Collection method: clinical testing. Allele origin: germline.
Comment: This sequence change creates a premature translational stop signal (p.Met22072Serfs*9) in the TTN gene. While this is not anticipated to result in nonsense mediated decay, it is expected to create a truncated TTN protein. This variant is not present in population databases (gnomAD no frequency). This premature translational stop signal has been observed in individual(s) with peripartum cardiomyopathy (PMID: 33874732). This variant is located in the A band of TTN (PMID: 25589632). Truncating variants in this region are significantly overrepresented in patients affected with dilated cardiomyopathy (PMID: 25589632). Truncating variants in this region have also been reported in individuals affected with autosomal recessive centronuclear myopathy (PMID: 23975875). In summary, the currently available evidence indicates that the variant is pathogenic, but additional data are needed to prove that conclusively. Therefore, this variant has been classified as Likely Pathogenic.

Literature cited by the submitters: PubMed 33874732 (cited by Labcorp Genetics (formerly Invitae), Labcorp); PubMed 25589632 (cited by Labcorp Genetics (formerly Invitae), Labcorp); PubMed 23975875 (cited by Labcorp Genetics (formerly Invitae), Labcorp).